The following is an entry in ClinVar:

NM_000388.4(CASR):c.1981T>A (p.Cys661Ser)

Gene: CASR (calcium sensing receptor; plus strand). Cytogenetic location: 3q21.1.
Variant type: single nucleotide variant.
Coding change: c.1981T>A on transcript NM_000388.4 (MANE Select); coding-DNA position 1981, T replaced by A.
Protein change: p.Cys661Ser; replaces cysteine 661 with serine.
Molecular consequence: missense variant.
Genome position (GRCh38, 1-based): chr3:122,283,935, T>A. VCF-style: chr3-122283935-T-A. GRCh37 (hg19) VCF-style: chr3-122002782-T-A.
Other names: c.2011T>A, p.Cys671Ser (NM_001178065.2); short protein forms C661S, C671S.
Identifiers: ClinVar variation 1058955 (VCV001058955.9), dbSNP rs2107649710, ClinGen allele CA354158229.

ClinVar aggregate classification (germline): Uncertain significance (1 of 4 stars; one submission).

Conditions:
Autosomal dominant hypocalcemia 1 (HYPOC1). Also called: HYPOCALCEMIA, FAMILIAL. Identifiers: MedGen C3715128, MONDO:0011013, OMIM 601198.
Familial hypocalciuric hypercalcemia (FHH). Also called: Familial benign hypercalcemia. Identifiers: Orphanet 405, MedGen C1809471, MONDO:0018458.

Submission:

Labcorp Genetics (formerly Invitae), Labcorp
Classification: Uncertain significance for Familial hypocalciuric hypercalcemia; Autosomal dominant hypocalcemia 1. Last evaluated: 2020-04-09. Review status: criteria provided, single submitter. Criteria: Invitae Variant Classification Sherloc (09022015). Collection method: clinical testing. Allele origin: germline.
Comment: In summary, the available evidence is currently insufficient to determine the role of this variant in disease. Therefore, it has been classified as a Variant of Uncertain Significance. Algorithms developed to predict the effect of sequence changes on RNA splicing suggest that this variant may create or strengthen a splice site, but this prediction has not been confirmed by published transcriptional studies. Algorithms developed to predict the effect of missense changes on protein structure and function (SIFT, PolyPhen-2, Align-GVGD) all suggest that this variant is likely to be disruptive, but these predictions have not been confirmed by published functional studies and their clinical significance is uncertain. This variant has not been reported in the literature in individuals with CASR-related conditions. This variant is not present in population databases (ExAC no frequency). This sequence change replaces cysteine with serine at codon 661 of the CASR protein (p.Cys661Ser). The cysteine residue is highly conserved and there is a moderate physicochemical difference between cysteine and serine.